The following is an entry in ClinVar:

ClinVar aggregate classification (germline): Uncertain significance (1 of 4 stars; one submission).

Conditions:
Idiopathic generalized epilepsy. Also called: EIG; Generalised epilepsy. Identifiers: MedGen C0270850, MONDO:0005579, OMIM 600669.

Submission:

Labcorp Genetics (formerly Invitae), Labcorp
Classification: Uncertain significance for Idiopathic generalized epilepsy. Last evaluated: 2020-12-08. Review status: criteria provided, single submitter. Criteria: Invitae Variant Classification Sherloc (09022015). Collection method: clinical testing. Allele origin: germline.
Comment: In summary, the available evidence is currently insufficient to determine the role of this variant in disease. Therefore, it has been classified as a Variant of Uncertain Significance. Experimental studies and prediction algorithms are not available or were not evaluated, and the functional significance of this variant is currently unknown. This variant has not been reported in the literature in individuals with CACNB4-related conditions. This variant is a gross deletion of the genomic region encompassing exons 3-14 of the CACNB4 gene. The 5' boundary is likely confined to intron 3. The 3' end of this event is unknown as it extends through the termination codon beyond the assayed region for this gene and may encompass additional genes. While this deletion is not anticipated to result in nonsense mediated decay, it is expected to create a truncated protein product or disrupt mRNA translation.

NC_000002.11:g.(?_152695633)_(152739904_?)del

Gene: CACNB4 (calcium voltage-gated channel auxiliary subunit beta 4; minus strand). Cytogenetic location: 2q23.3.
Variant type: Deletion.
Identifiers: ClinVar variation 1399416 (VCV001399416.4).